The following is an entry in ClinVar:

ClinVar aggregate classification (germline): Benign (1 of 4 stars; one submission).

Conditions:
Early-onset generalized limb-onset dystonia. Also called: DYSTONIA MUSCULORUM DEFORMANS 1; Oppenheim's dystonia; Early onset torsion dystonia; DYT-TOR1A; Dystonia-1, torsion; Dystonia 1, modifier of. Identifiers: Orphanet 256, MedGen C1851945, MONDO:0007492, OMIM 128100.

Allele frequency attached by ClinVar (database versions not stated): gnomAD 0.04983 and 0.05356; TOPMed 0.05302; 1000 Genomes Project 0.05471; 1000 Genomes Project 30x 0.05700.

Submission:

Illumina Laboratory Services, Illumina
Classification: Benign for Early-onset generalized limb-onset dystonia. Last evaluated: 2018-01-13. Review status: criteria provided, single submitter. Criteria: ICSL Variant Classification Criteria 13 December 2019. Collection method: clinical testing. Allele origin: germline.
Comment: This variant was observed in the ICSL laboratory as part of a predisposition screen in an ostensibly healthy population. It had not been previously curated by ICSL or reported in the Human Gene Mutation Database (HGMD: prior to June 1st, 2018), and was therefore a candidate for classification through an automated scoring system. Utilizing variant allele frequency, disease prevalence and penetrance estimates, and inheritance mode, an automated score was calculated to assess if this variant is too frequent to cause the disease. Based on the score and internal cut-off values, a variant classified as benign is not then subjected to further curation. The score for this variant resulted in a classification of benign for this disease.

NM_000113.3(TOR1A):c.*831C>T

Gene: TOR1A (torsin family 1 member A; minus strand). Cytogenetic location: 9q34.11.
Variant type: single nucleotide variant.
Coding change: c.*831C>T on transcript NM_000113.3 (MANE Select); 831 bases downstream of the stop codon, C replaced by T.
Molecular consequence: 3 prime UTR variant.
Genome position (GRCh38, 1-based): chr9:129,813,141, G>A on the plus strand (C>T on the coding strand, the complement: TOR1A is on the minus strand). VCF-style: chr9-129813141-G-A. GRCh37 (hg19) VCF-style: chr9-132575420-G-A.
Identifiers: ClinVar variation 365215 (VCV000365215.5), dbSNP rs77889648, ClinGen allele CA10632510.